The following is an entry in ClinVar:

ClinVar aggregate classification (germline): Pathogenic (1 of 4 stars; one submission).

Conditions:
Maple syrup urine disease (MSUD). Identifiers: Orphanet 511, MedGen C0024776, MeSH D008375, MONDO:0009563. Disease mechanism: loss of function.

Allele frequency attached by ClinVar (database versions not stated): TOPMed below 0.00001.

Submission:

Labcorp Genetics (formerly Invitae), Labcorp
Classification: Pathogenic for Maple syrup urine disease. Last evaluated: 2023-11-24. Review status: criteria provided, single submitter. Criteria: Invitae Variant Classification Sherloc (09022015). Collection method: clinical testing. Allele origin: germline.
Comment: This sequence change creates a premature translational stop signal (p.Gln215Argfs*28) in the BCKDHA gene. It is expected to result in an absent or disrupted protein product. Loss-of-function variants in BCKDHA are known to be pathogenic (PMID: 16786533, 22593002). This variant is not present in population databases (gnomAD no frequency). This variant has not been reported in the literature in individuals affected with BCKDHA-related conditions. For these reasons, this variant has been classified as Pathogenic.

Literature cited by the submitters: PubMed 16786533; PubMed 22593002.

NM_000709.4(BCKDHA):c.644_645del (p.Gln215fs)

Gene: BCKDHA (branched chain keto acid dehydrogenase E1 subunit alpha; plus strand). Cytogenetic location: 19q13.2.
Variant type: Deletion.
Coding change: c.644_645del on transcript NM_000709.4 (MANE Select); coding-DNA positions 644 to 645, 2 bases deleted (AG; older notation c.644_645delAG).
Protein change: p.Gln215fs; shifts the reading frame from glutamine 215.
Molecular consequence: frameshift variant.
Genome position (GRCh38, 1-based): chr19:41,419,294-41,419,295, AG deleted. VCF-style (leftmost placement, unchanged base first): chr19-41419293-CAG-C. GRCh37 (hg19) VCF-style: chr19-41925198-CAG-C.
Other names: c.644_645del, p.Gln215fs (NM_001164783.2); short protein forms Q215fs.
Identifiers: ClinVar variation 2698396 (VCV002698396.3), dbSNP rs963488715, ClinGen allele CA308521448.